The following is an entry in ClinVar:

NM_001347721.2(DYRK1A):c.517C>G (p.Gln173Glu)

Gene: DYRK1A (dual specificity tyrosine phosphorylation regulated kinase 1A; plus strand). Cytogenetic location: 21q22.13.
Variant type: single nucleotide variant.
Coding change: c.517C>G on transcript NM_001347721.2 (MANE Select); coding-DNA position 517, C replaced by G.
Protein change: p.Gln173Glu; replaces glutamine 173 with glutamic acid.
Molecular consequence: missense variant.
Genome position (GRCh38, 1-based): chr21:37,486,494, C>G. VCF-style: chr21-37486494-C-G. GRCh37 (hg19) VCF-style: chr21-38858796-C-G.
Other names: c.517C>G, p.Gln173Glu (NM_130436.2, NM_001347722.2); c.430C>G, p.Gln144Glu (NM_001347723.2); c.544C>G, p.Gln182Glu (NM_001396.5, NM_101395.2, NM_130438.2); short protein forms Q144E, Q173E, Q182E.
Identifiers: ClinVar variation 2652657 (VCV002652657.24), dbSNP rs1490461709, ClinGen allele CA409945613.

ClinVar aggregate classification (germline): Uncertain significance (1 of 4 stars; one submission).

Allele frequency attached by ClinVar (database versions not stated): gnomAD exomes below 0.00001.
gnomAD v4.1: 1 of 1,581,178 alleles (0.000063%); highest among the groups gnomAD compares: Admixed American, 0.0019%; no homozygotes.

Submission:

CeGaT Center for Human Genetics Tuebingen
Classification: Uncertain significance. Last evaluated: 2022-11-01. Review status: criteria provided, single submitter. Criteria: CeGaT Center For Human Genetics Tuebingen Variant Classification Criteria Version 2. Collection method: clinical testing. Allele origin: germline. Affected: yes. Observed: 1 variant allele.
Comment: DYRK1A: PM2, PP2